The following is an entry in ClinVar:

NM_019616.4(F7):c.742G>A (p.Glu248Lys)

Gene: F7 (coagulation factor VII; plus strand). Cytogenetic location: 13q34.
Variant type: single nucleotide variant.
Coding change: c.742G>A on transcript NM_019616.4 (MANE Select); coding-DNA position 742, G replaced by A.
Protein change: p.Glu248Lys; replaces glutamic acid 248 with lysine.
Molecular consequence: missense variant. On other transcripts: non-coding transcript variant (1).
Genome position (GRCh38, 1-based): chr13:113,118,415, G>A. VCF-style: chr13-113118415-G-A. GRCh37 (hg19) VCF-style: chr13-113772729-G-A.
Other names: c.808G>A, p.Glu270Lys (NM_000131.5); c.556G>A, p.Glu186Lys (NM_001267554.2); short protein forms E186K, E248K, E270K.
Identifiers: ClinVar variation 2573368 (VCV002573368.3), dbSNP rs531916165, ClinGen allele CA7060125.
Genomic context (GRCh38, chr13:113,118,415, plus strand): 5'-ACCAGGGGGTGAGGTGGCAGGTGGTGGAAAGGGCCTGAGGGGGGCTTCTTCCTTCCAGGC[G>A]AGCACGACCTCAGCGAGCACGACGGGGATGAGCAGAGCCGGCGGGTGGCGCAGGTCATCA-3'
Protein context (NP_062562.1, residues 238-258): NWRNLIAVLG[Glu248Lys]HDLSEHDGDE

ClinVar aggregate classification (germline): Uncertain significance. Review status: criteria provided, multiple submitters, no conflicts (2 of 4 stars). 2 submissions from 2 submitters: Uncertain significance (2). Last evaluated 2025-05-26.

Allele frequency attached by ClinVar (database versions not stated): gnomAD exomes 0.00001; gnomAD 0.00004; 1000 Genomes Project 0.00020; TOPMed 0.00001; ExAC 0.00002; 1000 Genomes Project 30x 0.00016.
gnomAD v4.1: 27 of 1,591,788 alleles (0.0017%); highest among the groups gnomAD compares: Admixed American, 0.01%; no homozygotes.

Submissions (2):

Dasa
Classification: Uncertain significance. Last evaluated: 2025-05-26. Review status: criteria provided, single submitter. Criteria: DASA Assertion Criteria. Collection method: clinical testing. Allele origin: germline.
Comment: NM_019616.4(F7):c.742G>A (p.Glu248Lys) is a missense variant that results in the substitution of glutamic acid with lysine. This variant has been reported in individuals with F7-related disorders (PMID: 26540129). Also, this variant is rare in population databases. Computational prediction algorithms are consistent with a deleterious effect. The currently available literature and clinical evidence are not sufficient to establish a definitive association between this variant and the reported condition. Therefore, this variant is classified as a variant of uncertain significance.

Women's Health and Genetics/Laboratory Corporation of America, LabCorp
Classification: Uncertain significance. Last evaluated: 2023-06-07. Review status: criteria provided, single submitter. Criteria: LabCorp Variant Classification Summary - May 2015. Collection method: clinical testing. Allele origin: germline.
Comment: Variant summary: F7 c.808G>A (p.Glu270Lys) results in a conservative amino acid change located in the trypsin domain (IPR001254) of the encoded protein sequence. Three of five in-silico tools predict a damaging effect of the variant on protein function. The variant allele was found at a frequency of 2.5e-05 in 237956 control chromosomes (gnomAD). The available data on variant occurrences in the general population are insufficient to allow any conclusion about variant significance. c.808G>A has been reported in the literature in a cohort of individuals with low FVII activities (Rath_2015), however no further details were provided. This report does not provide unequivocal conclusions about association of the variant with Congenital factor VII deficiency. To our knowledge, no experimental evidence demonstrating an impact on protein function has been reported. The following publication have been ascertained in the context of this evaluation (PMID: 26540129). No clinical diagnostic laboratories have submitted clinical-significance assessments for this variant to ClinVar after 2014. Based on the evidence outlined above, the variant was classified as uncertain significance.

Literature cited by the submitters: PubMed 26540129 (cited by Dasa and Women's Health and Genetics/Laboratory Corporation of America, LabCorp).